The following is an entry in ClinVar:

NM_016222.4(DDX41):c.480T>A (p.His160Gln)

Gene: DDX41 (DEAD-box helicase 41; minus strand). Cytogenetic location: 5q35.3.
Variant type: single nucleotide variant.
Coding change: c.480T>A on transcript NM_016222.4 (MANE Select); coding-DNA position 480, T replaced by A.
Protein change: p.His160Gln; replaces histidine 160 with glutamine.
Molecular consequence: missense variant.
Genome position (GRCh38, 1-based): chr5:177,515,776, A>T on the plus strand (T>A on the coding strand, the complement: DDX41 is on the minus strand). VCF-style: chr5-177515776-A-T. GRCh37 (hg19) VCF-style: chr5-176942777-A-T.
Other names: c.102T>A, p.His34Gln (NM_001321732.2, NM_001321830.2); short protein forms H160Q, H34Q.
Identifiers: ClinVar variation 3838926 (VCV003838926.1).
Genomic context (GRCh38, chr5:177,515,776, plus strand): 5'-GATGGGTGGTGGGATACCGTCTCCCTCCACCAGGATGTGGTATTTCTTCCGCACGCGCTC[A>T]TGTCGCTCTTCAGACATGCTCAGAACATAACGGGGTGGAGTCCAGCTGTGGATGGGTAAC-3'
Protein context (NP_057306.2, residues 150-170): RYVLSMSEER[His160Gln]ERVRKKYHIL

ClinVar aggregate classification (germline): Uncertain significance (1 of 4 stars; one submission).

Conditions:
Inborn genetic diseases. Identifiers: MedGen C0950123, MeSH D030342.

Submission:

Ambry Genetics
Classification: Uncertain significance for Inborn genetic diseases. Last evaluated: 2024-12-12. Review status: criteria provided, single submitter. Criteria: Ambry Variant Classification Scheme 2023. Collection method: clinical testing. Allele origin: germline.
Comment: The p.H160Q variant (also known as c.480T>A), located in coding exon 6 of the DDX41 gene, results from a T to A substitution at nucleotide position 480. The histidine at codon 160 is replaced by glutamine, an amino acid with highly similar properties. This amino acid position is conserved. In addition, this alteration is predicted to be tolerated by in silico analysis. Based on the available evidence, the clinical significance of this variant remains unclear.